The following is an entry in ClinVar:

NM_014363.6(SACS):c.9353C>T (p.Pro3118Leu)

Gene: SACS (sacsin molecular chaperone; minus strand). Cytogenetic location: 13q12.12.
Variant type: single nucleotide variant.
Coding change: c.9353C>T on transcript NM_014363.6 (MANE Select); coding-DNA position 9353, C replaced by T.
Protein change: p.Pro3118Leu; replaces proline 3118 with leucine.
Molecular consequence: missense variant.
Genome position (GRCh38, 1-based): chr13:23,334,523, G>A on the plus strand (C>T on the coding strand, the complement: SACS is on the minus strand). VCF-style: chr13-23334523-G-A. GRCh37 (hg19) VCF-style: chr13-23908662-G-A.
Other names: c.8912C>T, p.Pro2971Leu (NM_001278055.2); short protein forms P2971L, P3118L.
Identifiers: ClinVar variation 1957749 (VCV001957749.4), dbSNP rs1593125179, ClinGen allele CA387514626.

ClinVar aggregate classification (germline): Uncertain significance (1 of 4 stars; one submission).

Conditions:
Spastic paraplegia. Identifiers: MedGen C0037772, HP:0001258.

Submission:

Labcorp Genetics (formerly Invitae), Labcorp
Classification: Uncertain significance for Spastic paraplegia. Last evaluated: 2022-11-22. Review status: criteria provided, single submitter. Criteria: Invitae Variant Classification Sherloc (09022015). Collection method: clinical testing. Allele origin: germline.
Comment: Advanced modeling of protein sequence and biophysical properties (such as structural, functional, and spatial information, amino acid conservation, physicochemical variation, residue mobility, and thermodynamic stability) has been performed at Invitae for this missense variant, however the output from this modeling did not meet the statistical confidence thresholds required to predict the impact of this variant on SACS protein function. In summary, the available evidence is currently insufficient to determine the role of this variant in disease. Therefore, it has been classified as a Variant of Uncertain Significance. This variant has not been reported in the literature in individuals affected with SACS-related conditions. This sequence change replaces proline, which is neutral and non-polar, with leucine, which is neutral and non-polar, at codon 3118 of the SACS protein (p.Pro3118Leu). This variant is not present in population databases (gnomAD no frequency).